The following is an entry in ClinVar:

NM_006904.7(PRKDC):c.2222T>C (p.Ile741Thr)

Gene: PRKDC (protein kinase, DNA-activated, catalytic subunit; minus strand). Cytogenetic location: 8q11.21.
Variant type: single nucleotide variant.
Coding change: c.2222T>C on transcript NM_006904.7 (MANE Select); coding-DNA position 2222, T replaced by C.
Protein change: p.Ile741Thr; replaces isoleucine 741 with threonine.
Molecular consequence: missense variant.
Genome position (GRCh38, 1-based): chr8:47,927,808, A>G on the plus strand (T>C on the coding strand, the complement: PRKDC is on the minus strand). VCF-style: chr8-47927808-A-G. GRCh37 (hg19) VCF-style: chr8-48840368-A-G.
Other names: c.2222T>C, p.Ile741Thr (NM_001081640.2); short protein forms I741T.
Identifiers: ClinVar variation 2449841 (VCV002449841.2), dbSNP rs1456557309, ClinGen allele CA371162567.

ClinVar aggregate classification (germline): Uncertain significance (1 of 4 stars; one submission).

Submission:

Ambry Genetics
Classification: Uncertain significance. Last evaluated: 2022-12-14. Review status: criteria provided, single submitter. Criteria: Ambry Variant Classification Scheme 2023. Collection method: clinical testing. Allele origin: germline.
Comment: The p.I741T variant (also known as c.2222T>C), located in coding exon 20 of the PRKDC gene, results from a T to C substitution at nucleotide position 2222. The isoleucine at codon 741 is replaced by threonine, an amino acid with similar properties. This amino acid position is conserved. In addition, the in silico prediction for this alteration is inconclusive. Since supporting evidence is limited at this time, the clinical significance of this alteration remains unclear.